The following is an entry in ClinVar:

ClinVar aggregate classification (germline): Uncertain significance (1 of 4 stars; one submission).

Conditions:
Congenital myotonia, autosomal recessive form. Also called: Becker Generalized Myotonia; BECKER DISEASE; myotonia congenita, autosomal recessive. Identifiers: Orphanet 614, MedGen C0751360, MONDO:0009715, OMIM 255700.
Congenital myotonia, autosomal dominant form (THD). Also called: THOMSEN DISEASE; Myotonia congenita autosomal dominant. Identifiers: Orphanet 614, MedGen C2936781, MONDO:0008055, OMIM 160800.

Submission:

Labcorp Genetics (formerly Invitae), Labcorp
Classification: Uncertain significance for Congenital myotonia, autosomal recessive form; Congenital myotonia, autosomal dominant form. Last evaluated: 2021-11-02. Review status: criteria provided, single submitter. Criteria: Invitae Variant Classification Sherloc (09022015). Collection method: clinical testing. Allele origin: germline.
Comment: In summary, the available evidence is currently insufficient to determine the role of this variant in disease. Therefore, it has been classified as a Variant of Uncertain Significance. This variant disrupts the p.Met646 amino acid residue in CLCN1. Other variant(s) that disrupt this residue have been determined to be pathogenic (PMID: 18337730). This suggests that this residue is clinically significant, and that variants that disrupt this residue are likely to be disease-causing. Algorithms developed to predict the effect of missense changes on protein structure and function (SIFT, PolyPhen-2, Align-GVGD) all suggest that this variant is likely to be tolerated. This variant has not been reported in the literature in individuals affected with CLCN1-related conditions. This variant is not present in population databases (gnomAD no frequency). This sequence change replaces methionine, which is neutral and non-polar, with leucine, which is neutral and non-polar, at codon 646 of the CLCN1 protein (p.Met646Leu).

Literature cited by the submitters: PubMed 18337730.

NM_000083.3(CLCN1):c.1936A>T (p.Met646Leu)

Genes: CLCN1 (chloride voltage-gated channel 1; plus strand), LOC123956257 (Sharpr-MPRA regulatory region 4117; plus strand). Cytogenetic location: 7q34.
Variant type: single nucleotide variant.
Coding change: c.1936A>T on transcript NM_000083.3 (MANE Select); coding-DNA position 1936, A replaced by T.
Protein change: p.Met646Leu; replaces methionine 646 with leucine.
Molecular consequence: missense variant. On other transcripts: non-coding transcript variant (1).
Genome position (GRCh38, 1-based): chr7:143,345,526, A>T. VCF-style: chr7-143345526-A-T. GRCh37 (hg19) VCF-style: chr7-143042619-A-T.
Other names: short protein forms M646L.
Identifiers: ClinVar variation 1441453 (VCV001441453.6), dbSNP rs1156766492, ClinGen allele CA369649329.